The following is an entry in ClinVar:

NM_000051.4(ATM):c.7328G>C (p.Arg2443Pro)

Genes: ATM (ATM serine/threonine kinase; plus strand), C11orf65 (chromosome 11 open reading frame 65; minus strand). Cytogenetic location: 11q22.3.
Variant type: single nucleotide variant.
Coding change: c.7328G>C on transcript NM_000051.4 (MANE Select); coding-DNA position 7328, G replaced by C.
Protein change: p.Arg2443Pro; replaces arginine 2443 with proline.
Molecular consequence: missense variant. On other transcripts: intron variant (2).
Genome position (GRCh38, 1-based): chr11:108,330,234, G>C. VCF-style: chr11-108330234-G-C. GRCh37 (hg19) VCF-style: chr11-108200961-G-C.
Other names: c.7328G>C, p.Arg2443Pro (NM_001351834.2); c.641-21163C>G (NM_001330368.2); c.*38+4986C>G (NM_001351110.2); short protein forms R2443P.
Identifiers: ClinVar variation 1303444 (VCV001303444.11), dbSNP rs587782310, ClinGen allele CA382559898.
Genomic context (GRCh38, chr11:108,330,234, plus strand): 5'-TTCATGGCTTTTGTGTTTTACCTTAATTATTCTATGCAAGATACACAGTAAAGGTTCAGC[G>C]AGAGCTGGAGTTGGATGAATTAGCCCTGCGTGCACTGAAAGAGGATCGTAAACGCTTCTT-3'
Protein context (NP_000042.3, residues 2433-2453): QTNRYTVKVQ[Arg2443Pro]ELELDELALR

ClinVar aggregate classification (germline): Uncertain significance. Review status: criteria provided, multiple submitters, no conflicts (2 of 4 stars). 4 submissions from 4 submitters: Uncertain significance (4). Last evaluated 2024-11-21.

Conditions:
Hereditary cancer-predisposing syndrome. Also called: Tumor predisposition; Neoplastic Syndromes, Hereditary; Hereditary Cancer Syndrome; Hereditary neoplastic syndrome. Identifiers: Orphanet 140162, MedGen C0027672, MeSH D009386, MONDO:0015356.
Ataxia-telangiectasia syndrome (AT). Also called: Ataxia-telangiectasia; LOUIS-BAR SYNDROME; Ataxia-telangiectasia, complementation group D; AT, COMPLEMENTATION GROUP C; ATAXIA-TELANGIECTASIA, COMPLEMENTATION GROUP A; ATAXIA-TELANGIECTASIA, FRESNO VARIANT. Identifiers: Orphanet 100, MedGen C0004135, MONDO:0008840, OMIM 208900.

Submissions (4):

Ambry Genetics
Classification: Uncertain significance for Hereditary cancer-predisposing syndrome. Last evaluated: 2024-11-21. Review status: criteria provided, single submitter. Criteria: Ambry Variant Classification Scheme 2023. Collection method: clinical testing. Allele origin: germline.
Comment: The p.R2443P variant (also known as c.7328G>C), located in coding exon 49 of the ATM gene, results from a G to C substitution at nucleotide position 7328. The arginine at codon 2443 is replaced by proline, an amino acid with dissimilar properties. This amino acid position is highly conserved in available vertebrate species. In addition, this alteration is predicted to be deleterious by in silico analysis. Based on the available evidence, the clinical significance of this variant remains unclear.

Color Diagnostics, LLC DBA Color Health
Classification: Uncertain significance for Hereditary cancer-predisposing syndrome. Last evaluated: 2023-05-31. Review status: criteria provided, single submitter. Criteria: ACMG Guidelines, 2015. Collection method: clinical testing. Allele origin: germline.
Comment: This missense variant replaces arginine with proline at codon 2443 of the ATM protein. Computational prediction suggests that this variant may have deleterious impact on protein structure and function (internally defined REVEL score threshold >= 0.7, PMID: 27666373). To our knowledge, functional studies have not been reported for this variant. This variant has not been reported in individuals affected with hereditary cancer in the literature. This variant has not been identified in the general population by the Genome Aggregation Database (gnomAD). The available evidence is insufficient to determine the role of this variant in disease conclusively. Therefore, this variant is classified as a Variant of Uncertain Significance.

Labcorp Genetics (formerly Invitae), Labcorp
Classification: Uncertain significance for Ataxia-telangiectasia syndrome. Last evaluated: 2023-01-16. Review status: criteria provided, single submitter. Criteria: Invitae Variant Classification Sherloc (09022015). Collection method: clinical testing. Allele origin: germline.
Comment: In summary, the available evidence is currently insufficient to determine the role of this variant in disease. Therefore, it has been classified as a Variant of Uncertain Significance. Algorithms developed to predict the effect of missense changes on protein structure and function (SIFT, PolyPhen-2, Align-GVGD) all suggest that this variant is likely to be disruptive. ClinVar contains an entry for this variant (Variation ID: 1303444). This variant has not been reported in the literature in individuals affected with ATM-related conditions. This variant is not present in population databases (gnomAD no frequency). This sequence change replaces arginine, which is basic and polar, with proline, which is neutral and non-polar, at codon 2443 of the ATM protein (p.Arg2443Pro).

GeneDx
Classification: Uncertain significance. Last evaluated: 2020-01-06. Review status: criteria provided, single submitter. Criteria: GeneDx Variant Classification Process June 2021. Collection method: clinical testing. Allele origin: germline. Affected: yes.
Comment: Not observed in large population cohorts (Lek 2016); In silico analysis, which includes protein predictors and evolutionary conservation, supports a deleterious effect; Has not been previously published as pathogenic or benign to our knowledge